The following is an entry in ClinVar:

NM_007126.5(VCP):c.1031T>C (p.Met344Thr)

Gene: VCP (valosin containing protein; minus strand). Cytogenetic location: 9p13.3.
Variant type: single nucleotide variant.
Coding change: c.1031T>C on transcript NM_007126.5 (MANE Select); coding-DNA position 1031, T replaced by C.
Protein change: p.Met344Thr; replaces methionine 344 with threonine.
Molecular consequence: missense variant.
Genome position (GRCh38, 1-based): chr9:35,062,053, A>G on the plus strand (T>C on the coding strand, the complement: VCP is on the minus strand). VCF-style: chr9-35062053-A-G. GRCh37 (hg19) VCF-style: chr9-35062050-A-G.
Other names: c.896T>C, p.Met299Thr (NM_001354927.2, NM_001354928.2); short protein forms M299T, M344T.
Identifiers: ClinVar variation 2937349 (VCV002937349.3), dbSNP rs1828737203, ClinGen allele CA373284358.

ClinVar aggregate classification (germline): Uncertain significance (1 of 4 stars; one submission).

Conditions:
Frontotemporal dementia and/or amyotrophic lateral sclerosis 6 (FTDALS6). Also called: VCP-Related Amyotrophic Lateral Sclerosis/Frontotemporal Dementia; VCP-Related Amyotrophic Lateral Sclerosis. Identifiers: Orphanet 275872, Orphanet 803, MedGen C5436279, MONDO:0013501, OMIM 613954.
Inclusion body myopathy with Paget disease of bone and frontotemporal dementia. Also called: Inclusion body myopathy with early-onset Paget disease and frontotemporal dementia. Identifiers: Orphanet 52430, MedGen C1833662, MONDO:0000507.

Allele frequency attached by ClinVar (database versions not stated): TOPMed 0.00001.

Submission:

Labcorp Genetics (formerly Invitae), Labcorp
Classification: Uncertain significance for Inclusion body myopathy with Paget disease of bone and frontotemporal dementia; Frontotemporal dementia and/or amyotrophic lateral sclerosis 6. Last evaluated: 2023-12-10. Review status: criteria provided, single submitter. Criteria: Invitae Variant Classification Sherloc (09022015). Collection method: clinical testing. Allele origin: germline.
Comment: This sequence change replaces methionine, which is neutral and non-polar, with threonine, which is neutral and polar, at codon 344 of the VCP protein (p.Met344Thr). This variant is not present in population databases (gnomAD no frequency). This variant has not been reported in the literature in individuals affected with VCP-related conditions. Advanced modeling of protein sequence and biophysical properties (such as structural, functional, and spatial information, amino acid conservation, physicochemical variation, residue mobility, and thermodynamic stability) performed at Invitae indicates that this missense variant is not expected to disrupt VCP protein function with a negative predictive value of 80%. In summary, the available evidence is currently insufficient to determine the role of this variant in disease. Therefore, it has been classified as a Variant of Uncertain Significance.